The following is an entry in ClinVar:

NM_153700.2(STRC):c.4159G>C (p.Glu1387Gln)

Gene: STRC (stereocilin; minus strand). Cytogenetic location: 15q15.3.
Variant type: single nucleotide variant.
Coding change: c.4159G>C on transcript NM_153700.2 (MANE Select); coding-DNA position 4159, G replaced by C.
Protein change: p.Glu1387Gln; replaces glutamic acid 1387 with glutamine.
Molecular consequence: missense variant.
Genome position (GRCh38, 1-based): chr15:43,604,420, C>G on the plus strand (G>C on the coding strand, the complement: STRC is on the minus strand). VCF-style: chr15-43604420-C-G. GRCh37 (hg19) VCF-style: chr15-43896618-C-G.
Other names: short protein forms E1387Q.
Identifiers: ClinVar variation 3900348 (VCV003900348.4).
Genomic context (GRCh38, chr15:43,604,420, plus strand): 5'-CCCTGGGGATCAAGGAAATTGCCTCAGTAGACAGAGTGAATACTAGGCGTCCAGCTTGCT[C>G]TACTTCATCCTGGCTCCACAACTCTGGTTTCCTGGGGACAGGAAGAAAATCGGGGGCTGG-3'
Protein context (NP_714544.1, residues 1377-1397): KPELWSQDEV[Glu1387Gln]QAGRLVFTLS

ClinVar aggregate classification (germline): Uncertain significance. Review status: criteria provided, multiple submitters, no conflicts (2 of 4 stars). 4 submissions from 4 submitters: Uncertain significance (4). Last evaluated 2026-08-05.

Conditions:
STRC-related disorder. Also called: STRC-related condition.
Autosomal recessive nonsyndromic hearing loss 16. Also called: DFNB16 Nonsyndromic Hearing Loss and Deafness; DEAFNESS, AUTOSOMAL RECESSIVE 16. Identifiers: Orphanet 90636, MedGen C1863561, MONDO:0011364, OMIM 603720.

gnomAD v4.1: 16 of 1,584,672 alleles (0.001%); highest among the groups gnomAD compares: Admixed American, 0.021%; 1 homozygote.

Submissions (4):

PreventionGenetics, part of Exact Sciences
Classification: Uncertain significance for STRC-related condition. Last evaluated: 2026-08-05. Review status: criteria provided, single submitter. Criteria: ACMG Guidelines, 2015. Collection method: clinical testing. Allele origin: germline.
Comment: The STRC c.4159G>C variant is predicted to result in the amino acid substitution p.Glu1387Gln. To our knowledge, this variant has not been reported in the literature or in a large population database (gnomAD), indicating this variant is rare. At this time, the clinical significance of this variant is uncertain due to the absence of conclusive functional and genetic evidence.

GeneDx
Classification: Uncertain significance. Last evaluated: 2024-11-22. Review status: criteria provided, single submitter. Criteria: GeneDx Variant Classification Process June 2021. Collection method: clinical testing. Allele origin: germline. Affected: yes.
Comment: Not observed at significant frequency in large population cohorts (gnomAD); In silico analysis indicates that this missense variant does not alter protein structure/function; Has not been previously published as pathogenic or benign to our knowledge

Blueprint Genetics
Classification: Uncertain significance. Last evaluated: 2024-11-01. Review status: criteria provided, single submitter. Criteria: ACMG Guidelines, 2015. Collection method: clinical testing. Allele origin: germline.

Revvity Omics, Revvity
Classification: Uncertain significance for Autosomal recessive nonsyndromic hearing loss 16. Last evaluated: 2021-06-02. Review status: criteria provided, single submitter. Criteria: ACMG Guidelines, 2015. Collection method: clinical testing. Allele origin: germline.